The following is an entry in ClinVar:

ClinVar aggregate classification (germline): Conflicting classifications of pathogenicity. Review status: criteria provided, conflicting classifications (1 of 4 stars). 10 submissions from 10 submitters: Likely pathogenic (7); Uncertain significance (1). 2 of the submissions do not count toward it. Last evaluated 2025-05-06.

Conditions:
MYO15A-related disorder. Also called: MYO15A-related condition.
Autosomal recessive nonsyndromic hearing loss 3. Also called: NEUROSENSORY NONSYNDROMIC RECESSIVE DEAFNESS 3. Identifiers: Orphanet 90636, MedGen C1838263, MONDO:0010860, OMIM 600316.

Allele frequency attached by ClinVar (database versions not stated): TOPMed 0.00021; gnomAD 0.00024 and 0.00023; gnomAD exomes 0.00016; ExAC 0.00023; 1000 Genomes Project 30x 0.00031; 1000 Genomes Project 0.00040; ESP Exome Variant Server 0.00008.
gnomAD v4.1: 279 of 1,597,846 alleles (0.017%); highest among the groups gnomAD compares: East Asian, 0.17%; 1 homozygote.

Submissions (10):

PreventionGenetics, part of Exact Sciences
Classification: Uncertain significance for MYO15A-related condition. Last evaluated: 2025-05-06. Review status: criteria provided, single submitter. Criteria: ACMG Guidelines, 2015. Collection method: clinical testing. Allele origin: germline.
Comment: The MYO15A c.5978G>A variant is predicted to result in the amino acid substitution p.Arg1993Gln. This variant has been reported in at least four individuals with autosomal recessive hearing loss (Miyagawa et al. 2013. PubMed ID: 23967202; Miyagawa et al. 2015. PubMed ID: 25792667; Table S4, Quaio et al. 2022. PubMed ID: 36147510). This variant is reported in 0.026% of alleles in individuals of European (non-Finnish) descent in gnomAD. An alternate missense substitution affecting the same amino acid (p.Arg1993Trp) has also been reported with loss-of-function variants in multiple individuals with hearing loss (Zhang et al. 2019. PubMed ID: 30953472; Table S2, Guan et al. 2021. PubMed ID: 34416374; Fu et al. 2022. PubMed ID: 35346193). Although we suspect that the c.5978G>A (p.Arg1993Gln) variant may be pathogenic, at this time, the clinical significance of this variant is uncertain due to the absence of conclusive functional and genetic evidence.

Women's Health and Genetics/Laboratory Corporation of America, LabCorp
Classification: Likely pathogenic for Autosomal recessive nonsyndromic hearing loss 3. Last evaluated: 2025-04-09. Review status: criteria provided, single submitter. Criteria: LabCorp Variant Classification Summary - May 2015. Collection method: clinical testing. Allele origin: germline.
Comment: Variant summary: MYO15A c.5978G>A (p.Arg1993Gln) results in a conservative amino acid change in the encoded protein sequence. Three of four in-silico tools predict a damaging effect of the variant on protein function. The variant allele was found at a frequency of 0.00016 in 218910 control chromosomes. This frequency is not significantly higher than estimated for a pathogenic variant in MYO15A causing Autosomal Recessive Nonsyndromic Hearing Loss 3, allowing no conclusion about variant significance. c.5978G>A has been reported in the literature in the compound heterozygous state in individuals affected with Autosomal Recessive Nonsyndromic Hearing Loss 3 (Miyagawa_2013, Miyagawa_2015). These data indicate that the variant may be associated with disease. To our knowledge, no experimental evidence demonstrating an impact on protein function has been reported. A different variant affecting the same codon has been classified as pathogenic (c.5977C>T (p.Arg1993Trp)), supporting the critical relevance of codon 1993 to MYO15A protein function. The following publications have been ascertained in the context of this evaluation (PMID: 25792667, 23967202). ClinVar contains an entry for this variant (Variation ID: 218731). Based on the evidence outlined above, the variant was classified as likely pathogenic.

GeneDx
Classification: Likely pathogenic. Last evaluated: 2025-01-30. Review status: criteria provided, single submitter. Criteria: GeneDx Variant Classification Process June 2021. Collection method: clinical testing. Allele origin: germline. Affected: yes.
Comment: In silico analysis supports that this missense variant has a deleterious effect on protein structure/function; This variant is associated with the following publications: (PMID: 27375115, 30245029, 32387678, 30953472, 32617096, 25792667, 23967202, 36147510, 35346193, 31581539, 34974475, 31579092)

Blueprint Genetics
Classification: Likely pathogenic for MYO15A-related disorders. Last evaluated: 2024-10-11. Review status: criteria provided, single submitter. Criteria: ACMG Guidelines, 2015. Collection method: clinical testing. Allele origin: germline. Affected: yes. Observed: 5 variant alleles.

Labcorp Genetics (formerly Invitae), Labcorp
Classification: Likely pathogenic. Last evaluated: 2024-03-14. Review status: criteria provided, single submitter. Criteria: Invitae Variant Classification Sherloc (09022015). Collection method: clinical testing. Allele origin: germline.
Comment: This sequence change replaces arginine, which is basic and polar, with glutamine, which is neutral and polar, at codon 1993 of the MYO15A protein (p.Arg1993Gln). This variant is present in population databases (rs117071200, gnomAD 0.03%). This missense change has been observed in individuals with autosomal recessive nonsyndromic sensorineural deafness (PMID: 23967202, 25792667). ClinVar contains an entry for this variant (Variation ID: 218731). Advanced modeling of protein sequence and biophysical properties (such as structural, functional, and spatial information, amino acid conservation, physicochemical variation, residue mobility, and thermodynamic stability) performed at Invitae indicates that this missense variant is not expected to disrupt MYO15A protein function with a negative predictive value of 95%. This variant disrupts the p.Arg1993 amino acid residue in MYO15A. Other variant(s) that disrupt this residue have been determined to be pathogenic (PMID: 30953472, 31581539, 34974475, 35346193; Invitae). This suggests that this residue is clinically significant, and that variants that disrupt this residue are likely to be disease-causing. In summary, the currently available evidence indicates that the variant is pathogenic, but additional data are needed to prove that conclusively. Therefore, this variant has been classified as Likely Pathogenic.

Fulgent Genetics
Classification: Likely pathogenic for Autosomal recessive nonsyndromic hearing loss 3. Last evaluated: 2024-02-29. Review status: criteria provided, single submitter. Criteria: ACMG Guidelines, 2015. Collection method: clinical testing. Allele origin: germline.

Illumina Laboratory Services, Illumina
Classification: Likely pathogenic for Autosomal recessive nonsyndromic hearing loss 3. Last evaluated: 2017-10-24. Review status: criteria provided, single submitter. Criteria: ICSL Variant Classification Criteria 09 May 2019. Collection method: clinical testing. Allele origin: germline.
Comment: The MYO15A c.5978G>A (p.Arg1993Gln) missense variant has been reported in two studies and in a total of three individuals with hearing loss, all in a compound heterozygous state with either a frameshift or a missense variant (Miyagawa et al. 2013; Miyagawa et al. 2015). Clinical details were provided for two of the patients, which included progressive, childhood-onset hearing loss with hearing aid utilization. The p.Arg1993Gln variant is absent from 341 control subjects and is reported at a frequency of 0.00096 in the East Asian population of the Exome Aggregation Consortium. Based on the evidence, the p.Arg1993Gln variant is classified as likely pathogenic for autosomal recessive nonsyndromic hearing loss. This variant was observed by ICSL as part of a predisposition screen in an ostensibly healthy population.

Clinical Genetics Service, Universitary Hospital 12 de Octubre
Classification: Likely pathogenic for Autosomal recessive nonsyndromic hearing loss 3. Review status: criteria provided, single submitter. Criteria: ACMG Guidelines, 2015. Collection method: clinical testing. Allele origin: paternal. Affected: yes.

Department of Pathology and Laboratory Medicine, Sinai Health System
Classification: Uncertain significance for Autosomal recessive nonsyndromic hearing loss 3. Last evaluated: 2022-04-12. Review status: flagged submission. Criteria: ACMG Guidelines, 2015. Collection method: research. Allele origin: germline. Not counted in ClinVar's aggregate classification.
ClinVar note: Reason: Outlier claim with insufficient supporting evidence

Genomic Diagnostic Laboratory, Division of Genomic Diagnostics, Children's Hospital of Philadelphia
Classification: Uncertain significance. Last evaluated: 2015-05-05. Review status: flagged submission. Criteria: DGD Variant Analysis Guidelines. Collection method: clinical testing. Allele origin: unknown. Not counted in ClinVar's aggregate classification.
ClinVar note: Reason: Older and outlier claim with insufficient supporting evidence

Literature cited by the submitters: PubMed 23967202 (cited by 3 submitters); PubMed 25792667 (cited by 3 submitters); PubMed 30953472 (cited by Labcorp Genetics (formerly Invitae), Labcorp); PubMed 31581539 (cited by Labcorp Genetics (formerly Invitae), Labcorp); PubMed 34974475 (cited by Labcorp Genetics (formerly Invitae), Labcorp); PubMed 35346193 (cited by Labcorp Genetics (formerly Invitae), Labcorp).

NM_016239.4(MYO15A):c.5978G>A (p.Arg1993Gln)

Gene: MYO15A (myosin XVA; plus strand). Cytogenetic location: 17p11.2.
Variant type: single nucleotide variant.
Coding change: c.5978G>A on transcript NM_016239.4 (MANE Select); coding-DNA position 5978, G replaced by A.
Protein change: p.Arg1993Gln; replaces arginine 1993 with glutamine.
Molecular consequence: missense variant.
Genome position (GRCh38, 1-based): chr17:18,143,728, G>A. VCF-style: chr17-18143728-G-A. GRCh37 (hg19) VCF-style: chr17-18047042-G-A.
Other names: short protein forms R1993Q.
Identifiers: ClinVar variation 218731 (VCV000218731.23), dbSNP rs117071200, ClinGen allele CA249221.